The following is an entry in ClinVar:

NM_001036.6(RYR3):c.4507A>G (p.Met1503Val)

Gene: RYR3 (ryanodine receptor 3; plus strand). Cytogenetic location: 15q14.
Variant type: single nucleotide variant.
Coding change: c.4507A>G on transcript NM_001036.6 (MANE Select); coding-DNA position 4507, A replaced by G.
Protein change: p.Met1503Val; replaces methionine 1503 with valine.
Molecular consequence: missense variant.
Genome position (GRCh38, 1-based): chr15:33,660,308, A>G. VCF-style: chr15-33660308-A-G. GRCh37 (hg19) VCF-style: chr15-33952509-A-G.
Other names: c.4507A>G, p.Met1503Val (NM_001243996.4); short protein forms M1503V.
Identifiers: ClinVar variation 565550 (VCV000565550.8), dbSNP rs368769268, ClinGen allele CA7459028.

ClinVar aggregate classification (germline): Uncertain significance (1 of 4 stars; one submission).

Conditions:
Epileptic encephalopathy. Identifiers: MedGen C0543888, HP:0200134.

Allele frequency attached by ClinVar (database versions not stated): gnomAD 0.00001; TOPMed 0.00003; ESP Exome Variant Server 0.00008; ExAC 0.00003.

Submission:

Labcorp Genetics (formerly Invitae), Labcorp
Classification: Uncertain significance for Epileptic encephalopathy. Last evaluated: 2020-02-12. Review status: criteria provided, single submitter. Criteria: Invitae Variant Classification Sherloc (09022015). Collection method: clinical testing. Allele origin: germline.
Comment: This variant is present in population databases (rs368769268, ExAC 0.007%). This variant has not been reported in the literature in individuals with RYR3-related disease. Algorithms developed to predict the effect of missense changes on protein structure and function do not agree on the potential impact of this missense change (SIFT: "Deleterious"; PolyPhen-2: "Benign"; Align-GVGD: "Class C15"). In summary, the available evidence is currently insufficient to determine the role of this variant in disease. Therefore, it has been classified as a Variant of Uncertain Significance. This sequence change replaces methionine with valine at codon 1503 of the RYR3 protein (p.Met1503Val). The methionine residue is highly conserved and there is a small physicochemical difference between methionine and valine.